The following is an entry in ClinVar:

NM_000238.4(KCNH2):c.2768C>T (p.Pro923Leu)

Gene: KCNH2 (potassium voltage-gated channel subfamily H member 2; minus strand). Cytogenetic location: 7q36.1.
Variant type: single nucleotide variant.
Coding change: c.2768C>T on transcript NM_000238.4 (MANE Select); coding-DNA position 2768, C replaced by T.
Protein change: p.Pro923Leu; replaces proline 923 with leucine.
Molecular consequence: missense variant.
Genome position (GRCh38, 1-based): chr7:150,947,803, G>A on the plus strand (C>T on the coding strand, the complement: KCNH2 is on the minus strand). VCF-style: chr7-150947803-G-A. GRCh37 (hg19) VCF-style: chr7-150644891-G-A.
Other names: c.1748C>T, p.Pro583Leu (NM_172057.3); c.2768C>T (NM_000238.2); short protein forms P583L, P923L.
Identifiers: ClinVar variation 572278 (VCV000572278.26), dbSNP rs760408746, ClinGen allele CA034729.

ClinVar aggregate classification (germline): Conflicting classifications of pathogenicity. Review status: criteria provided, conflicting classifications (1 of 4 stars). 6 submissions from 6 submitters: Uncertain significance (5); Likely benign (1). Last evaluated 2025-11-23.

Conditions:
Long QT syndrome (LQTS). Identifiers: MedGen C0023976, MeSH D008133, MONDO:0002442. Disease mechanism: loss of function. Inheritance: Various modes of inheritance.
Long QT syndrome 2 (LQT2). Identifiers: Orphanet 101016, Orphanet 768, MedGen C3150943, MONDO:0013367, OMIM 613688.
Cardiovascular phenotype. Identifiers: MedGen CN230736.
Cardiac arrhythmia. Also called: Cardiac rhythm disease; Arrhythmia. Identifiers: MedGen C0003811, MONDO:0007263, HP:0011675.

Allele frequency attached by ClinVar (database versions not stated): ExAC 0.00011.
gnomAD v4.1: 50 of 1,529,900 alleles (0.0033%); highest among the groups gnomAD compares: South Asian, 0.041%; 1 homozygote.

Submissions (6):

Labcorp Genetics (formerly Invitae), Labcorp
Classification: Uncertain significance for Long QT syndrome. Last evaluated: 2025-11-23. Review status: criteria provided, single submitter. Criteria: Invitae Variant Classification Sherloc (09022015). Collection method: clinical testing. Allele origin: germline.
Comment: This sequence change replaces proline, which is neutral and non-polar, with leucine, which is neutral and non-polar, at codon 923 of the KCNH2 protein (p.Pro923Leu). The frequency data for this variant in the population databases is considered unreliable, as metrics indicate poor data quality at this position in the gnomAD database. This missense change has been observed in individual(s) with Long QT Syndrome (PMID: 36861347). ClinVar contains an entry for this variant (Variation ID: 572278). An algorithm developed to predict the effect of missense changes on protein structure and function outputs the following: PolyPhen-2: "Benign". The leucine amino acid residue is found in multiple mammalian species, which suggests that this missense change does not adversely affect protein function. In summary, the available evidence is currently insufficient to determine the role of this variant in disease. Therefore, it has been classified as a Variant of Uncertain Significance.

Color Diagnostics, LLC DBA Color Health
Classification: Uncertain significance for Cardiac arrhythmia. Last evaluated: 2025-06-24. Review status: criteria provided, single submitter. Criteria: ACMG Guidelines, 2015. Collection method: clinical testing. Allele origin: germline.
Comment: This missense variant replaces proline with leucine at codon 923 of the KCNH2 protein. Computational prediction suggests that this variant may not impact protein structure and function.. To our knowledge, functional studies have not been reported for this variant. This variant has been reported in an individual affected with long QT syndrome (36861347) and in an individual affected with atrioventricular nodal reentrant tachycardia (PMID: 32508047). This variant has been identified in 3/126852 chromosomes in the general population by the Genome Aggregation Database (gnomAD). The available evidence is insufficient to determine the role of this variant in disease conclusively. Therefore, this variant is classified as a Variant of Uncertain Significance.

Ambry Genetics
Classification: Likely benign for Cardiovascular phenotype. Last evaluated: 2025-05-08. Review status: criteria provided, single submitter. Criteria: Ambry Variant Classification Scheme 2023. Collection method: clinical testing. Allele origin: germline.

GeneDx
Classification: Uncertain significance. Last evaluated: 2024-08-14. Review status: criteria provided, single submitter. Criteria: GeneDx Variant Classification Process June 2021. Collection method: clinical testing. Allele origin: germline. Affected: yes.
Comment: Identified in a patient with LQTS and a patient with atrioventricular nodal reentry tachycardia (AVNRT) in published literature (PMID: 36861347, 32508047); Not observed at significant frequency in large population cohorts (gnomAD); In silico analysis indicates that this missense variant does not alter protein structure/function; This variant is associated with the following publications: (PMID: 35932045, 32508047, 36861347)

All of Us Research Program, National Institutes of Health
Classification: Uncertain significance for Long QT syndrome. Last evaluated: 2024-03-24. Review status: criteria provided, single submitter. Criteria: ACMG Guidelines, 2015. Collection method: clinical testing. Allele origin: germline. Inheritance: Autosomal dominant inheritance. Observed: 8 variant alleles, 8 heterozygotes.
Comment: This missense variant replaces proline with leucine at codon 923 of the KCNH2 protein. Computational prediction suggests that this variant may not impact protein structure and function (internally defined REVEL score threshold <= 0.5, PMID: 27666373). To our knowledge, functional studies have not been reported for this variant. This variant has been reported in an individual affected with atrioventricular nodal reentrant tachycardia (PMID: 32508047). This variant has been identified in 3/126852 chromosomes in the general population by the Genome Aggregation Database (gnomAD). The available evidence is insufficient to determine the role of this variant in disease conclusively. Therefore, this variant is classified as a Variant of Uncertain Significance.

This study involves interpretation of variants in research participants for the purpose of population health screening. Participant phenotype was not available at the time of variant classification. Additional details can be found in publication PMID: 35346344, PMCID: PMC8962531

Illumina Laboratory Services, Illumina
Classification: Uncertain significance for Long QT syndrome 2. Last evaluated: 2018-01-12. Review status: criteria provided, single submitter. Criteria: ICSL Variant Classification Criteria 13 December 2019. Collection method: clinical testing. Allele origin: germline.

Literature cited by the submitters: PubMed 36861347 (cited by Labcorp Genetics (formerly Invitae), Labcorp and Ambry Genetics); PubMed 32508047 (cited by Color Diagnostics, LLC DBA Color Health and All of Us Research Program, National Institutes of Health).